The following is an entry in ClinVar:

NC_000013.11:g.32340858G>A

Gene: BRCA2 (BRCA2 DNA repair associated; plus strand). Cytogenetic location: 13q13.1.
Variant type: single nucleotide variant.
Genome position: GRCh38 VCF-style: chr13-32340858-G-A. GRCh37 (hg19) VCF-style: chr13-32914995-G-A.
Other names: G2168E; 6731G>A; c.6503G>A, p.Gly2168Glu (LRG_293t1).
Identifiers: ClinVar variation 38049 (VCV000038049.11), dbSNP rs397507372, ClinGen allele CA024121.

ClinVar aggregate classification (germline): Uncertain significance. Review status: criteria provided, single submitter (1 of 4 stars). 2 submissions from 2 submitters: Uncertain significance (1). 1 of the submissions does not count toward it. Last evaluated 2022-07-19.

Conditions:
Hereditary breast ovarian cancer syndrome. Also called: Hereditary breast and ovarian cancer; Hereditary breast and ovarian cancer syndrome (HBOC); Hereditary breast and/or ovarian cancer syndrome; Breast and ovarian cancer; Hereditary breast and ovarian cancer syndrome; BRCA1- and BRCA2-Associated Hereditary Breast and Ovarian Cancer. Identifiers: Orphanet 145, MedGen C0677776, MeSH D061325, MONDO:0003582. Disease mechanism: loss of function.
Breast-ovarian cancer, familial, susceptibility to, 2 (BROVCA2). Also called: BRCA2 Hereditary Breast and Ovarian Cancer. Identifiers: Orphanet 145, MedGen C2675520, MONDO:0012933, OMIM 612555. Disease mechanism: loss of function.

Allele frequency attached by ClinVar (database versions not stated): gnomAD exomes below 0.00001.
gnomAD v4.1: 1 of 1,600,058 alleles (0.000062%); highest among the groups gnomAD compares: East Asian, 0.0022%; no homozygotes.

Submissions (2):

Labcorp Genetics (formerly Invitae), Labcorp
Classification: Uncertain significance for Hereditary breast ovarian cancer syndrome. Last evaluated: 2022-07-19. Review status: criteria provided, single submitter. Criteria: Invitae Variant Classification Sherloc (09022015). Collection method: clinical testing. Allele origin: germline.
Comment: In summary, the available evidence is currently insufficient to determine the role of this variant in disease. Therefore, it has been classified as a Variant of Uncertain Significance. Advanced modeling of protein sequence and biophysical properties (such as structural, functional, and spatial information, amino acid conservation, physicochemical variation, residue mobility, and thermodynamic stability) performed at Invitae indicates that this missense variant is not expected to disrupt BRCA2 protein function. ClinVar contains an entry for this variant (Variation ID: 38049). This variant has not been reported in the literature in individuals affected with BRCA2-related conditions. This variant is not present in population databases (gnomAD no frequency). This sequence change replaces glycine, which is neutral and non-polar, with glutamic acid, which is acidic and polar, at codon 2168 of the BRCA2 protein (p.Gly2168Glu).

Sharing Clinical Reports Project (SCRP)
Classification: Uncertain significance for Breast-ovarian cancer, familial 2. Last evaluated: 2011-12-16. Review status: no assertion criteria provided. Collection method: clinical testing. Allele origin: germline. Not counted in ClinVar's aggregate classification.